The following is an entry in ClinVar:

NM_005458.8(GABBR2):c.11C>T (p.Pro4Leu)

Gene: GABBR2 (gamma-aminobutyric acid type B receptor subunit 2; minus strand). Cytogenetic location: 9q22.33.
Variant type: single nucleotide variant.
Coding change: c.11C>T on transcript NM_005458.8 (MANE Select); coding-DNA position 11, C replaced by T.
Protein change: p.Pro4Leu; replaces proline 4 with leucine.
Molecular consequence: missense variant.
Genome position (GRCh38, 1-based): chr9:98,708,727, G>A on the plus strand (C>T on the coding strand, the complement: GABBR2 is on the minus strand). VCF-style: chr9-98708727-G-A. GRCh37 (hg19) VCF-style: chr9-101471009-G-A.
Other names: short protein forms P4L.
Identifiers: ClinVar variation 857115 (VCV000857115.9), dbSNP rs1830938515, ClinGen allele CA374213011.

ClinVar aggregate classification (germline): Uncertain significance (1 of 4 stars; one submission).

Conditions:
Epileptic encephalopathy. Identifiers: MedGen C0543888, HP:0200134.

Allele frequency attached by ClinVar (database versions not stated): gnomAD exomes below 0.00001.
gnomAD v4.1: 1 of 989,014 alleles (0.0001%); highest among the groups gnomAD compares: Non-Finnish European, 0.00012%; no homozygotes.

Submission:

Labcorp Genetics (formerly Invitae), Labcorp
Classification: Uncertain significance for Epileptic encephalopathy. Last evaluated: 2023-12-07. Review status: criteria provided, single submitter. Criteria: Invitae Variant Classification Sherloc (09022015). Collection method: clinical testing. Allele origin: germline.
Comment: This sequence change replaces proline, which is neutral and non-polar, with leucine, which is neutral and non-polar, at codon 4 of the GABBR2 protein (p.Pro4Leu). The frequency data for this variant in the population databases is considered unreliable, as metrics indicate insufficient coverage at this position in the gnomAD database. This variant has not been reported in the literature in individuals affected with GABBR2-related conditions. ClinVar contains an entry for this variant (Variation ID: 857115). Experimental studies and prediction algorithms are not available or were not evaluated, and the functional significance of this variant is currently unknown. In summary, the available evidence is currently insufficient to determine the role of this variant in disease. Therefore, it has been classified as a Variant of Uncertain Significance.